The following is an entry in ClinVar:

ClinVar aggregate classification (germline): Likely pathogenic (1 of 4 stars; one submission).

Conditions:
Acyl-CoA dehydrogenase 9 deficiency. Also called: Acyl-CoA dehydrogenase family, member 9, deficiency of; MITOCHONDRIAL COMPLEX I DEFICIENCY, NUCLEAR TYPE 20. Identifiers: Orphanet 99901, MedGen C4747517, MONDO:0012624, OMIM 611126.

gnomAD v4.1: 19 of 1,614,246 alleles (0.0012%); highest among the groups gnomAD compares: Non-Finnish European, 0.0016%; no homozygotes.

Submission:

Natera, Inc.
Classification: Likely pathogenic for ACAD9 deficiency. Last evaluated: 2025-01-24. Review status: criteria provided, single submitter. Criteria: Natera Variant Classification Schema (03/2026). Collection method: clinical testing. Allele origin: germline.
Comment: The c.665T>A variant in ACAD9 is a missense variant predicted to cause substitution of isoleucine to asparagine at amino acid 222. This variant is rare in the general population with a frequency below the threshold expected for the associated phenotype(s). This variant has been observed in one or more individuals affected with the associated recessive disease, as either homozygous or compound heterozygous with a second variant (PMID: 30025539). Additionally, this variant has been observed to segregate in affected family members (PMID: 30025539). Computational prediction algorithms indicate this variant is likely to affect gene or protein function. Given the available evidence, this variant is classified as Likely Pathogenic.

Literature cited by the submitters: PubMed 30025539.

NM_014049.5(ACAD9):c.665T>A (p.Ile222Asn)

Gene: ACAD9 (acyl-CoA dehydrogenase family member 9; plus strand). Cytogenetic location: 3q21.3.
Variant type: single nucleotide variant.
Coding change: c.665T>A on transcript NM_014049.5 (MANE Select); coding-DNA position 665, T replaced by A.
Protein change: p.Ile222Asn; replaces isoleucine 222 with asparagine.
Molecular consequence: missense variant. On other transcripts: non-coding transcript variant (1).
Genome position (GRCh38, 1-based): chr3:128,899,318, T>A. VCF-style: chr3-128899318-T-A. GRCh37 (hg19) VCF-style: chr3-128618161-T-A.
Other names: c.296T>A, p.Ile99Asn (NM_001410805.1); short protein forms I222N, I99N.
Identifiers: ClinVar variation 4815590 (VCV004815590.1).